The following is an entry in ClinVar:

ClinVar aggregate classification (germline): Likely benign. Review status: criteria provided, multiple submitters, no conflicts (2 of 4 stars). 2 submissions from 2 submitters: Likely benign (2). Last evaluated 2025-07-29.

Allele frequency attached by ClinVar (database versions not stated): gnomAD 0.00006; TOPMed 0.00014; ExAC 0.00006; gnomAD exomes 0.00007.
gnomAD v4.1: 116 of 1,537,048 alleles (0.0075%); highest among the groups gnomAD compares: Middle Eastern, 0.1%; no homozygotes.

Submissions (2):

Mayo Clinic Laboratories, Mayo Clinic
Classification: Likely benign. Last evaluated: 2025-07-29. Review status: criteria provided, single submitter. Criteria: ACMG Guidelines, 2015. Collection method: clinical testing. Allele origin: germline. Observed: 1 variant allele.
Comment: BS1, BP4_moderate

Labcorp Genetics (formerly Invitae), Labcorp
Classification: Likely benign. Last evaluated: 2023-03-22. Review status: criteria provided, single submitter. Criteria: Invitae Variant Classification Sherloc (09022015). Collection method: clinical testing. Allele origin: germline.

NM_001256071.3(RNF213):c.3949C>A (p.Leu1317Met)

Gene: RNF213 (ring finger protein 213; plus strand). Cytogenetic location: 17q25.3.
Variant type: single nucleotide variant.
Coding change: c.3949C>A on transcript NM_001256071.3 (MANE Select); coding-DNA position 3949, C replaced by A.
Protein change: p.Leu1317Met; replaces leucine 1317 with methionine.
Molecular consequence: missense variant.
Genome position (GRCh38, 1-based): chr17:80,332,437, C>A. VCF-style: chr17-80332437-C-A. GRCh37 (hg19) VCF-style: chr17-78306237-C-A.
Other names: p.Leu1317Met; c.4096C>A, p.Leu1366Met (NM_001410195.1, NM_020914.5); short protein forms L1366M, L1317M.
Identifiers: ClinVar variation 2719282 (VCV002719282.3), dbSNP rs770471430, ClinGen allele CA8820214.